The following is an entry in ClinVar:

NC_000005.10:g.112707395G>C

Gene: APC (APC regulator of Wnt signaling pathway; plus strand). Cytogenetic location: 5q22.2.
Variant type: single nucleotide variant.
Genome position: GRCh38 VCF-style: chr5-112707395-G-C. GRCh37 (hg19) VCF-style: chr5-112043092-G-C.
Identifiers: ClinVar variation 2708406 (VCV002708406.3), dbSNP rs1750555075, ClinGen allele CA1573442239.
Genomic context (GRCh38, chr5:112,707,395, plus strand): 5'-CAGTAAGTGCTGCAACTGAGACTCGGCTGCCTAGGCAGCAATGGCTCACGGGACAGAACA[G>C]CGAAGCAGTGCCCGGCAAGCGGAGCGCAGCACCCATTGCGCCTGCGCATAACAGGCTCTA-3'

ClinVar aggregate classification (germline): Uncertain significance (1 of 4 stars; one submission).

Conditions:
Familial adenomatous polyposis 1 (FAP1). Also called: FAMILIAL ADENOMATOUS POLYPOSIS 1, ATTENUATED; POLYPOSIS, ADENOMATOUS INTESTINAL. Identifiers: MedGen C2713442, MONDO:0021056, OMIM 175100. Disease mechanism: loss of function.

Allele frequency attached by ClinVar (database versions not stated): gnomAD exomes below 0.00001; TOPMed below 0.00001.

Submission:

Labcorp Genetics (formerly Invitae), Labcorp
Classification: Uncertain significance for Familial adenomatous polyposis 1. Last evaluated: 2024-01-09. Review status: criteria provided, single submitter. Criteria: Invitae Variant Classification Sherloc (09022015). Collection method: clinical testing. Allele origin: germline.
Comment: This variant occurs in a non-coding region of the APC gene. It does not change the encoded amino acid sequence of the APC protein. This variant is not present in population databases (gnomAD no frequency). This variant has not been reported in the literature in individuals affected with APC-related conditions. Experimental studies and prediction algorithms are not available or were not evaluated, and the functional significance of this variant is currently unknown. In summary, the available evidence is currently insufficient to determine the role of this variant in disease. Therefore, it has been classified as a Variant of Uncertain Significance.